The following is an entry in ClinVar:

NM_004369.4(COL6A3):c.2756C>T (p.Ala919Val)

Gene: COL6A3 (collagen type VI alpha 3 chain; minus strand). Cytogenetic location: 2q37.3.
Variant type: single nucleotide variant.
Coding change: c.2756C>T on transcript NM_004369.4 (MANE Select); coding-DNA position 2756, C replaced by T.
Protein change: p.Ala919Val; replaces alanine 919 with valine.
Molecular consequence: missense variant.
Genome position (GRCh38, 1-based): chr2:237,377,086, G>A on the plus strand (C>T on the coding strand, the complement: COL6A3 is on the minus strand). VCF-style: chr2-237377086-G-A. GRCh37 (hg19) VCF-style: chr2-238285729-G-A.
Other names: c.1535C>T, p.Ala512Val (NM_057164.5); c.2138C>T, p.Ala713Val (NM_057165.5, NM_057167.4); c.935C>T, p.Ala312Val (NM_057166.5); short protein forms A919V, A713V, A312V, A512V.
Identifiers: ClinVar variation 288629 (VCV000288629.20), dbSNP rs115327470, ClinGen allele CA2189328.

ClinVar aggregate classification (germline): Conflicting classifications of pathogenicity. Review status: criteria provided, conflicting classifications (1 of 4 stars). 5 submissions from 5 submitters: Uncertain significance (3); Benign (1); Likely benign (1). Last evaluated 2025-04-27.

Conditions:
Inborn genetic diseases. Identifiers: MedGen C0950123, MeSH D030342.
Collagen 6-related myopathy. Identifiers: MedGen CN117976, MONDO:0100225.
Bethlem myopathy 1A. Also called: Bethlem Muscular Dystrophy; MYOPATHY, BENIGN CONGENITAL, WITH CONTRACTURES; Bethlem myopathy 1. Identifiers: Orphanet 610, MedGen CN029274, MONDO:0024530, OMIM 158810.

Allele frequency attached by ClinVar (database versions not stated): gnomAD exomes 0.00001 and 0.00003; TOPMed 0.00001; gnomAD 0.00002 and 0.00003; ExAC 0.00004; 1000 Genomes Project 30x 0.00016; 1000 Genomes Project 0.00020.
gnomAD v4.1: 25 of 1,614,176 alleles (0.0015%); highest among the groups gnomAD compares: East Asian, 0.018%; no homozygotes.

Submissions (5):

Labcorp Genetics (formerly Invitae), Labcorp
Classification: Likely benign for Bethlem myopathy 1A. Last evaluated: 2025-04-27. Review status: criteria provided, single submitter. Criteria: Invitae Variant Classification Sherloc (09022015). Collection method: clinical testing. Allele origin: germline.

Ambry Genetics
Classification: Uncertain significance for Inborn genetic diseases. Last evaluated: 2024-10-20. Review status: criteria provided, single submitter. Criteria: Ambry Variant Classification Scheme 2023. Collection method: clinical testing. Allele origin: germline.

Revvity Omics, Revvity
Classification: Uncertain significance. Last evaluated: 2022-01-18. Review status: criteria provided, single submitter. Criteria: ACMG Guidelines, 2015. Collection method: clinical testing. Allele origin: germline.

Illumina Laboratory Services, Illumina
Classification: Benign for Collagen VI-related myopathy. Last evaluated: 2018-01-13. Review status: criteria provided, single submitter. Criteria: ICSL Variant Classification Criteria 13 December 2019. Collection method: clinical testing. Allele origin: germline.
Comment: This variant was observed in the ICSL laboratory as part of a predisposition screen in an ostensibly healthy population. It had not been previously curated by ICSL or reported in the Human Gene Mutation Database (HGMD: prior to June 1st, 2018), and was therefore a candidate for classification through an automated scoring system. Utilizing variant allele frequency, disease prevalence and penetrance estimates, and inheritance mode, an automated score was calculated to assess if this variant is too frequent to cause the disease. Based on the score and internal cut-off values, a variant classified as benign is not then subjected to further curation. The score for this variant resulted in a classification of benign for this disease.

Eurofins Ntd Llc (ga)
Classification: Uncertain significance. Last evaluated: 2016-06-08. Review status: criteria provided, single submitter. Criteria: EGL Classification Definitions 2015. Collection method: clinical testing. Allele origin: germline. Observed: 1 variant allele, 1 heterozygote.